The following is an entry in ClinVar:

ClinVar aggregate classification (germline): Conflicting classifications of pathogenicity. Review status: criteria provided, conflicting classifications (1 of 4 stars). 4 submissions from 4 submitters: Uncertain significance (2); Likely benign (1). 1 of the submissions does not count toward it. Last evaluated 2025-12-17.

Conditions:
CLPB-related disorder. Also called: CLPB-related condition.
3-methylglutaconic aciduria, type VIIB (MGCA7B). Also called: 3-methylglutaconic aciduria with cataracts, neurologic involvement and neutropenia; 3-methylglutaconic aciduria, type VII, with cataracts, neurologic involvement and neutropenia; CLPB Deficiency. Identifiers: Orphanet 445038, MedGen C5676893, MONDO:0014561, OMIM 616271.

Allele frequency attached by ClinVar (database versions not stated): TOPMed 0.00004; gnomAD 0.00005 and 0.00006; gnomAD exomes 0.00006; ExAC 0.00007; ESP Exome Variant Server 0.00015.
gnomAD v4.1: 88 of 1,613,916 alleles (0.0055%); highest among the groups gnomAD compares: Non-Finnish European, 0.007%; no homozygotes.

Submissions (4):

Labcorp Genetics (formerly Invitae), Labcorp
Classification: Uncertain significance for 3-methylglutaconic aciduria, type VIIB. Last evaluated: 2025-12-17. Review status: criteria provided, single submitter. Criteria: Invitae Variant Classification Sherloc (09022015). Collection method: clinical testing. Allele origin: germline.
Comment: This sequence change replaces arginine, which is basic and polar, with tryptophan, which is neutral and slightly polar, at codon 224 of the CLPB protein (p.Arg224Trp). This variant is present in population databases (rs149056885, gnomAD 0.01%). This variant has not been reported in the literature in individuals affected with CLPB-related conditions. ClinVar contains an entry for this variant (Variation ID: 843629). An algorithm developed to predict the effect of missense changes on protein structure and function (PolyPhen-2) suggests that this variant is likely to be tolerated. Algorithms developed to predict the effect of sequence changes on RNA splicing suggest that this variant may disrupt the consensus splice site. In summary, the available evidence is currently insufficient to determine the role of this variant in disease. Therefore, it has been classified as a Variant of Uncertain Significance.

GeneDx
Classification: Uncertain significance. Last evaluated: 2025-12-09. Review status: criteria provided, single submitter. Criteria: GeneDx Variant Classification Process June 2021. Collection method: clinical testing. Allele origin: germline. Affected: yes.
Comment: Has not been previously published as pathogenic or benign to our knowledge; In silico analysis suggests that this missense variant does not alter protein structure/function

Blueprint Genetics
Classification: Likely benign. Last evaluated: 2022-10-28. Review status: criteria provided, single submitter. Criteria: ACMG Guidelines, 2015. Collection method: clinical testing. Allele origin: germline.

PreventionGenetics, part of Exact Sciences
Classification: Uncertain significance for CLPB-related condition. Last evaluated: 2024-05-22. Review status: no assertion criteria provided. Collection method: clinical testing. Allele origin: germline. Not counted in ClinVar's aggregate classification.
Comment: The CLPB c.670C>T variant is predicted to result in the amino acid substitution p.Arg224Trp. To our knowledge, this variant has not been reported in the literature. This variant is reported in 0.010% of alleles in individuals of European (Non-Finnish) descent in gnomAD. At this time, the clinical significance of this variant is uncertain due to the absence of conclusive functional and genetic evidence.

NM_030813.6(CLPB):c.670C>T (p.Arg224Trp)

Gene: CLPB (ClpB family mitochondrial disaggregase; minus strand). Cytogenetic location: 11q13.4.
Variant type: single nucleotide variant.
Coding change: c.670C>T on transcript NM_030813.6 (MANE Plus Clinical); coding-DNA position 670, C replaced by T.
Protein change: p.Arg224Trp; replaces arginine 224 with tryptophan.
Molecular consequence: missense variant. On other transcripts: intron variant (2).
Genome position (GRCh38, 1-based): chr11:72,372,991, G>A on the plus strand (C>T on the coding strand, the complement: CLPB is on the minus strand). VCF-style: chr11-72372991-G-A. GRCh37 (hg19) VCF-style: chr11-72084035-G-A.
Other names: c.535C>T, p.Arg179Trp (NM_001258394.3); c.559+7290C>T (NM_001258393.3); c.646+7290C>T (NM_001258392.3); short protein forms R179W, R224W.
Identifiers: ClinVar variation 843629 (VCV000843629.15), dbSNP rs149056885, ClinGen allele CA6171477.
Genomic context (GRCh38, chr11:72,372,991, plus strand): 5'-CGGGGAGTCCTAGCCATCTCCTGAACTCCAGGGCACTTGTCCACTGGTTTGTGATGTGCC[G>A]GCTTGCACCGTCCTGTCCCCCATCTGAAGACACAGAGATGGGGAGGTCAGCTGGAGCAGG-3'
Protein context (NP_110440.1, residues 214-234): LEDGGQDGAS[Arg224Trp]HITNQWTSAL